The following is an entry in ClinVar:

NM_000312.4(PROC):c.866C>A (p.Pro289His)

Gene: PROC (protein C, inactivator of coagulation factors Va and VIIIa; plus strand). Cytogenetic location: 2q14.3.
Variant type: single nucleotide variant.
Coding change: c.866C>A on transcript NM_000312.4 (MANE Select); coding-DNA position 866, C replaced by A.
Protein change: p.Pro289His; replaces proline 289 with histidine.
Molecular consequence: missense variant.
Genome position (GRCh38, 1-based): chr2:127,428,426, C>A. VCF-style: chr2-127428426-C-A. GRCh37 (hg19) VCF-style: chr2-128186002-C-A.
Other names: p.Pro289His; c.1049C>A, p.Pro350His (NM_001375602.1); c.1031C>A, p.Pro344His (NM_001375603.1); c.929C>A, p.Pro310His (NM_001375604.1); c.968C>A, p.Pro323His (NM_001375605.1); c.1034C>A, p.Pro345His (NM_001375606.1); c.1052C>A, p.Pro351His (NM_001375607.1); c.809C>A, p.Pro270His (NM_001375608.1); and 3 more; short protein forms P281H, P345H, P289H, P310H, P344H, P270H, P287H, P323H.
Identifiers: ClinVar variation 4540674 (VCV004540674.1).

ClinVar aggregate classification (germline): Uncertain significance (1 of 4 stars; one submission).

Submission:

Mayo Clinic Laboratories, Mayo Clinic
Classification: Uncertain significance. Last evaluated: 2025-03-20. Review status: criteria provided, single submitter. Criteria: ACMG Guidelines, 2015. Collection method: clinical testing. Allele origin: germline. Observed: 1 variant allele.
Comment: PP3_moderate, PM2_supporting